The following is an entry in ClinVar:

NM_007294.4(BRCA1):c.3575C>T (p.Pro1192Leu)

Genes: BRCA1 (BRCA1 DNA repair associated; minus strand), LOC126862571 (BRD4-independent group 4 enhancer GRCh37_chr17:41243136-41244335; plus strand). Cytogenetic location: 17q21.31.
Variant type: single nucleotide variant.
Coding change: c.3575C>T on transcript NM_007294.4 (MANE Select); coding-DNA position 3575, C replaced by T.
Protein change: p.Pro1192Leu; replaces proline 1192 with leucine.
Molecular consequence: missense variant. On other transcripts: intron variant (135).
Genome position (GRCh38, 1-based): chr17:43,091,956, G>A on the plus strand (C>T on the coding strand, the complement: BRCA1 is on the minus strand). VCF-style: chr17-43091956-G-A. GRCh37 (hg19) VCF-style: chr17-41243973-G-A.
Other names: c.3362C>T, p.Pro1121Leu (NM_001407571.1, NM_001407853.1, NM_001407894.1 and 9 more transcripts); c.3575C>T, p.Pro1192Leu (NM_001407581.1, NM_001407582.1, NM_001407583.1 and 30 more transcripts); c.3572C>T, p.Pro1191Leu (NM_001407587.1, NM_001407590.1, NM_001407591.1 and 22 more transcripts); c.3566C>T, p.Pro1189Leu (NM_001407646.1, NM_001407647.1); c.3452C>T, p.Pro1151Leu (NM_001407648.1, NM_001407664.1, NM_001407665.1 and 19 more transcripts); c.3449C>T, p.Pro1150Leu (NM_001407649.1, NM_001407670.1, NM_001407671.1 and 11 more transcripts); c.3497C>T, p.Pro1166Leu (NM_001407653.1, NM_001407654.1, NM_001407655.1 and 4 more transcripts); c.3494C>T, p.Pro1165Leu (NM_001407659.1, NM_001407660.1, NM_001407661.1 and 1 more transcripts); and 41 more; short protein forms P1024L, P1064L, P1065L, P1080L, P1081L, P1103L, P1104L, P1121L.
Identifiers: ClinVar variation 4822376 (VCV004822376.4).

ClinVar aggregate classification (germline): Uncertain significance (1 of 4 stars; one submission).

gnomAD v4.1: 2 of 1,614,068 alleles (0.00012%); highest among the groups gnomAD compares: Non-Finnish European, 0.00017%; no homozygotes.

Submission:

CeGaT Center for Human Genetics Tuebingen
Classification: Uncertain significance. Last evaluated: 2026-01-01. Review status: criteria provided, single submitter. Criteria: CeGaT Center For Human Genetics Tuebingen Variant Classification Criteria Version 2. Collection method: clinical testing. Allele origin: germline. Affected: yes. Observed: 1 variant allele.
Comment: BRCA1: PM2